The following is an entry in ClinVar:

ClinVar aggregate classification (germline): Uncertain significance (1 of 4 stars; one submission).

Conditions:
Inborn genetic diseases. Identifiers: MedGen C0950123, MeSH D030342.

Submission:

Ambry Genetics
Classification: Uncertain significance for Inborn genetic diseases. Last evaluated: 2018-10-18. Review status: criteria provided, single submitter. Criteria: Ambry Variant Classification Scheme 2023. Collection method: clinical testing. Allele origin: germline.
Comment: The c.1234-5C>A intronic variant results from a C to A substitution 5 nucleotides upstream from coding exon 7 in the NRXN1 gene. This nucleotide position is highly conserved in available vertebrate species. Using the BDGP and ESEfinder splice site prediction tools, this alteration is predicted to weaken the efficiency of the native splice acceptor site; however, direct evidence is unavailable. Since supporting evidence is limited at this time, the clinical significance of this alteration remains unclear.

NM_001330078.2(NRXN1):c.1135-5C>A

Gene: NRXN1 (neurexin 1; minus strand). Cytogenetic location: 2p16.3.
Variant type: single nucleotide variant.
Coding change: c.1135-5C>A on transcript NM_001330078.2 (MANE Select); 5 bases into the intron before coding-DNA position 1135, C replaced by A.
Molecular consequence: intron variant.
Genome position (GRCh38, 1-based): chr2:50,621,254, G>T on the plus strand (C>A on the coding strand, the complement: NRXN1 is on the minus strand). VCF-style: chr2-50621254-G-T. GRCh37 (hg19) VCF-style: chr2-50848392-G-T.
Other names: c.1075-1071C>A (NM_001330096.2, NM_001330087.2); c.1075-5C>A (NM_001330083.2, NM_001330084.2); c.1105-1071C>A (NM_001330088.2); c.1132-5C>A (NM_001330093.2); c.1123-5C>A (NM_001330094.2); c.1135-1071C>A (NM_001330095.2, NM_001330082.2, NM_001330077.2); c.1135-5C>A (NM_001330085.2, NM_004801.6, NM_001330086.2); c.1234-5C>A (NM_001135659.3).
Identifiers: ClinVar variation 1756324 (VCV001756324.2), dbSNP rs2466835584, ClinGen allele CA2580067237.
Genomic context (GRCh38, chr2:50,621,254, plus strand): 5'-ATGATATCTACCGAACAATGTAGTTTGTTTACCATAGCGTGTCCAATGCCTGAGTGCTTT[G>T]TGGAGAAGGGGGGAGAAAGGAAATTAAAAACTGTGAACAGAATAACGATCGTTACTTAAA-3'